The following is an entry in ClinVar:

ClinVar aggregate classification (germline): Uncertain significance. Review status: criteria provided, multiple submitters, no conflicts (2 of 4 stars). 2 submissions from 2 submitters: Uncertain significance (2). Last evaluated 2025-01-15.

Conditions:
Hereditary cancer-predisposing syndrome. Also called: Hereditary neoplastic syndrome; Tumor predisposition; Neoplastic Syndromes, Hereditary; Hereditary Cancer Syndrome. Identifiers: Orphanet 140162, MedGen C0027672, MeSH D009386, MONDO:0015356.
POLD1-related polyposis and colorectal cancer syndrome (CRCS10). Also called: Colorectal cancer 10; COLORECTAL CANCER, SUSCEPTIBILITY TO, ON CHROMOSOME 19q; Colorectal cancer, susceptibility to, 10. Identifiers: Orphanet 220460, MedGen C2675481, MONDO:0012953, OMIM 612591.

Allele frequency attached by ClinVar (database versions not stated): TOPMed 0.00001.

Submissions (2):

Ambry Genetics
Classification: Uncertain significance for Hereditary cancer-predisposing syndrome. Last evaluated: 2025-01-15. Review status: criteria provided, single submitter. Criteria: Ambry Variant Classification Scheme 2023. Collection method: clinical testing. Allele origin: germline.
Comment: The p.G129R variant (also known as c.385G>A), located in coding exon 3 of the POLD1 gene, results from a G to A substitution at nucleotide position 385. The glycine at codon 129 is replaced by arginine, an amino acid with dissimilar properties. This amino acid position is highly conserved in available vertebrate species. In addition, this alteration is predicted to be deleterious by in silico analysis. Based on the available evidence, the clinical significance of this variant remains unclear.

Labcorp Genetics (formerly Invitae), Labcorp
Classification: Uncertain significance for POLD1-related polyposis and colorectal cancer syndrome. Last evaluated: 2024-11-10. Review status: criteria provided, single submitter. Criteria: Invitae Variant Classification Sherloc (09022015). Collection method: clinical testing. Allele origin: germline.
Comment: This sequence change replaces glycine, which is neutral and non-polar, with arginine, which is basic and polar, at codon 129 of the POLD1 protein (p.Gly129Arg). The frequency data for this variant in the population databases is considered unreliable, as metrics indicate poor data quality at this position in the gnomAD database. This variant has not been reported in the literature in individuals affected with POLD1-related conditions. ClinVar contains an entry for this variant (Variation ID: 936027). Invitae Evidence Modeling of protein sequence and biophysical properties (such as structural, functional, and spatial information, amino acid conservation, physicochemical variation, residue mobility, and thermodynamic stability) indicates that this missense variant is expected to disrupt POLD1 protein function with a positive predictive value of 80%. In summary, the available evidence is currently insufficient to determine the role of this variant in disease. Therefore, it has been classified as a Variant of Uncertain Significance.

NM_002691.4(POLD1):c.385G>A (p.Gly129Arg)

Gene: POLD1 (DNA polymerase delta 1, catalytic subunit; plus strand). Cytogenetic location: 19q13.33.
Variant type: single nucleotide variant.
Coding change: c.385G>A on transcript NM_002691.4 (MANE Select); coding-DNA position 385, G replaced by A.
Protein change: p.Gly129Arg; replaces glycine 129 with arginine.
Molecular consequence: missense variant. On other transcripts: non-coding transcript variant (1).
Genome position (GRCh38, 1-based): chr19:50,401,846, G>A. VCF-style: chr19-50401846-G-A. GRCh37 (hg19) VCF-style: chr19-50905103-G-A.
Other names: c.385G>A, p.Gly129Arg (NM_001256849.1, NM_001308632.1); c.385G>A (NM_002691.2); short protein forms G129R.
Identifiers: ClinVar variation 936027 (VCV000936027.8), dbSNP rs1229830033, ClinGen allele CA406972366.